The following is an entry in ClinVar:

ClinVar aggregate classification (germline): Uncertain significance. Review status: criteria provided, multiple submitters, no conflicts (2 of 4 stars). 2 submissions from 2 submitters: Uncertain significance (2). Last evaluated 2025-10-28.

Allele frequency attached by ClinVar (database versions not stated): gnomAD exomes below 0.00001; TOPMed below 0.00001; ExAC 0.00001.
gnomAD v4.1: 1 of 1,614,194 alleles (0.000062%); highest among the groups gnomAD compares: Admixed American, 0.0017%; no homozygotes.

Submissions (2):

Ambry Genetics
Classification: Uncertain significance. Last evaluated: 2025-10-28. Review status: criteria provided, single submitter. Criteria: Ambry Variant Classification Scheme 2023. Collection method: clinical testing. Allele origin: germline.

Labcorp Genetics (formerly Invitae), Labcorp
Classification: Uncertain significance. Last evaluated: 2022-12-14. Review status: criteria provided, single submitter. Criteria: Invitae Variant Classification Sherloc (09022015). Collection method: clinical testing. Allele origin: germline.
Comment: In summary, the available evidence is currently insufficient to determine the role of this variant in disease. Therefore, it has been classified as a Variant of Uncertain Significance. Algorithms developed to predict the effect of missense changes on protein structure and function output the following: SIFT: "Tolerated"; PolyPhen-2: "Probably Damaging"; Align-GVGD: "Class C0". The valine amino acid residue is found in multiple mammalian species, which suggests that this missense change does not adversely affect protein function. This variant has not been reported in the literature in individuals affected with ADGRE2-related conditions. This variant is present in population databases (rs758592313, gnomAD 0.003%). This sequence change replaces isoleucine, which is neutral and non-polar, with valine, which is neutral and non-polar, at codon 740 of the ADGRE2 protein (p.Ile740Val).

NM_013447.4(ADGRE2):c.2218A>G (p.Ile740Val)

Gene: ADGRE2 (adhesion G protein-coupled receptor E2; minus strand). Cytogenetic location: 19p13.12.
Variant type: single nucleotide variant.
Coding change: c.2218A>G on transcript NM_013447.4 (MANE Select); coding-DNA position 2218, A replaced by G.
Protein change: p.Ile740Val; replaces isoleucine 740 with valine.
Molecular consequence: missense variant.
Genome position (GRCh38, 1-based): chr19:14,743,750, T>C on the plus strand (A>G on the coding strand, the complement: ADGRE2 is on the minus strand). VCF-style: chr19-14743750-T-C. GRCh37 (hg19) VCF-style: chr19-14854562-T-C.
Other names: c.2044A>G, p.Ile682Val (NM_001271052.1); c.2071A>G, p.Ile691Val (NM_152916.2); c.1939A>G, p.Ile647Val (NM_152917.2); c.2218A>G (NM_013447.2); short protein forms I647V, I740V, I682V, I691V.
Identifiers: ClinVar variation 2993700 (VCV002993700.4), dbSNP rs758592313, ClinGen allele CA9257435.